The following is an entry in ClinVar:

ClinVar aggregate classification (germline): Uncertain significance. Review status: criteria provided, multiple submitters, no conflicts (2 of 4 stars). 5 submissions from 5 submitters: Uncertain significance (4). 1 of the submissions does not count toward it. Last evaluated 2025-05-01.

Conditions:
Bartter syndrome. Identifiers: Orphanet 112, MedGen C0004775, MONDO:0015231.
Inborn genetic diseases. Identifiers: MedGen C0950123, MeSH D030342.
Bartter disease type 4A. Also called: BARTTER SYNDROME, NEONATAL, WITH SENSORINEURAL DEAFNESS; BARTTER SYNDROME, TYPE 4A, NEONATAL, WITH SENSORINEURAL DEAFNESS. Identifiers: Orphanet 112, MedGen C1865270, MONDO:0011242, OMIM 602522.

Allele frequency attached by ClinVar (database versions not stated): TOPMed 0.00002; ESP Exome Variant Server 0.00008.
gnomAD v4.1: 26 of 1,614,204 alleles (0.0016%); highest among the groups gnomAD compares: Non-Finnish European, 0.0022%; no homozygotes.

Submissions (5):

Rare Kidney Stone Consortium and the Mayo Clinic Hyperoxaluria Center, Mayo Clinic
Classification: Uncertain significance for Bartter disease type 4A. Last evaluated: 2025-05-01. Review status: criteria provided, single submitter. Criteria: ACMG Guidelines, 2015. Collection method: research. Allele origin: germline.
Comment: ACMG: PM2, PM4

heterozygote

Labcorp Genetics (formerly Invitae), Labcorp
Classification: Uncertain significance. Last evaluated: 2022-07-19. Review status: criteria provided, single submitter. Criteria: Invitae Variant Classification Sherloc (09022015). Collection method: clinical testing. Allele origin: germline.
Comment: This sequence change creates a premature translational stop signal (p.Glu287*) in the BSND gene. While this is not anticipated to result in nonsense mediated decay, it is expected to disrupt the last 34 amino acid(s) of the BSND protein. This variant is present in population databases (rs376784896, gnomAD 0.0009%). This variant has not been reported in the literature in individuals affected with BSND-related conditions. ClinVar contains an entry for this variant (Variation ID: 505171). In summary, the available evidence is currently insufficient to determine the role of this variant in disease. Therefore, it has been classified as a Variant of Uncertain Significance.

Ambry Genetics
Classification: Uncertain significance for Inborn genetic diseases. Last evaluated: 2021-05-27. Review status: criteria provided, single submitter. Criteria: Ambry Variant Classification Scheme 2023. Collection method: clinical testing. Allele origin: germline.
Comment: The c.859G>T (p.E287*) alteration, located in exon 4 (coding exon 4) of the BSND gene, consists of a G to T substitution at nucleotide position 859. This changes the amino acid from a glutamic acid (E) to a stop codon at amino acid position 287. Premature stop codons are typically deleterious in nature (Richards, 2015). Based on insufficient or conflicting evidence, the clinical significance of this alteration remains unclear.

Laboratory for Molecular Medicine, Mass General Brigham Personalized Medicine
Classification: Uncertain significance. Last evaluated: 2016-06-28. Review status: criteria provided, single submitter. Criteria: LMM Criteria. Collection method: clinical testing. Allele origin: germline. Observed: 1 variant allele.
Comment: The p.Glu287X variant in BSND has not been previously reported in individuals wi th hearing loss or Bartter syndrome, but has been identified in 1/66718 European chromosomes by the Exome Aggregation Consortium (ExAC; dbSNP rs376784896). Although this variant has been seen in the general p opulation, its frequency is not high enough to rule out a pathogenic role. This nonsense variant leads to a premature termination codon at position 287. This al teration occurs within the last exon and is likely to escape nonsense mediated d ecay (NMD) and to result in a truncated product 10% shorter than the normal prot ein. It is unclear whether the truncation impacts the protein function. In summa ry, the clinical significance of the p.Glu287X variant is uncertain.

Natera, Inc.
Classification: Uncertain significance for Bartter syndrome. Last evaluated: 2020-12-15. Review status: no assertion criteria provided. Collection method: clinical testing. Allele origin: germline. Not counted in ClinVar's aggregate classification.

Literature cited by the submitters: PubMed 34805638 (cited by Rare Kidney Stone Consortium and the Mayo Clinic Hyperoxaluria Center, Mayo Clinic).

NM_057176.3(BSND):c.859G>T (p.Glu287Ter)

Gene: BSND (barttin CLCNK type accessory subunit beta; plus strand). Cytogenetic location: 1p32.3.
Variant type: single nucleotide variant.
Coding change: c.859G>T on transcript NM_057176.3 (MANE Select); coding-DNA position 859, G replaced by T.
Protein change: p.Glu287Ter; replaces glutamic acid 287 with a stop codon.
Molecular consequence: nonsense.
Genome position (GRCh38, 1-based): chr1:55,008,524, G>T. VCF-style: chr1-55008524-G-T. GRCh37 (hg19) VCF-style: chr1-55474197-G-T.
Other names: short protein forms E287*.
Identifiers: ClinVar variation 505171 (VCV000505171.12), dbSNP rs376784896, ClinGen allele CA871435.